The following is an entry in ClinVar:

ClinVar aggregate classification (germline): Uncertain significance (1 of 4 stars; one submission).

Conditions:
Charcot-Marie-Tooth disease dominant intermediate C (CMTDIC). Also called: CHARCOT-MARIE-TOOTH NEUROPATHY, DOMINANT INTERMEDIATE C. Identifiers: Orphanet 100045, MedGen C1842237, MONDO:0012012, OMIM 608323.

Submission:

Labcorp Genetics (formerly Invitae), Labcorp
Classification: Uncertain significance for Charcot-Marie-Tooth disease dominant intermediate C. Last evaluated: 2024-02-17. Review status: criteria provided, single submitter. Criteria: Invitae Variant Classification Sherloc (09022015). Collection method: clinical testing. Allele origin: germline.
Comment: This sequence change replaces glycine, which is neutral and non-polar, with alanine, which is neutral and non-polar, at codon 284 of the YARS protein (p.Gly284Ala). This variant is not present in population databases (gnomAD no frequency). This variant has not been reported in the literature in individuals affected with YARS-related conditions. Advanced modeling of protein sequence and biophysical properties (such as structural, functional, and spatial information, amino acid conservation, physicochemical variation, residue mobility, and thermodynamic stability) performed at Invitae indicates that this missense variant is expected to disrupt YARS protein function with a positive predictive value of 80%. In summary, the available evidence is currently insufficient to determine the role of this variant in disease. Therefore, it has been classified as a Variant of Uncertain Significance.

NM_003680.4(YARS1):c.851G>C (p.Gly284Ala)

Genes: YARS1 (tyrosyl-tRNA synthetase 1; minus strand), LOC126805688 (BRD4-independent group 4 enhancer GRCh37_chr1:33251929-33253128; plus strand). Cytogenetic location: 1p35.1.
Variant type: single nucleotide variant.
Coding change: c.851G>C on transcript NM_003680.4 (MANE Select); coding-DNA position 851, G replaced by C.
Protein change: p.Gly284Ala; replaces glycine 284 with alanine.
Molecular consequence: missense variant.
Genome position (GRCh38, 1-based): chr1:32,786,417, C>G on the plus strand (G>C on the coding strand, the complement: YARS1 is on the minus strand). VCF-style: chr1-32786417-C-G. GRCh37 (hg19) VCF-style: chr1-33252018-C-G.
Other names: short protein forms G284A.
Identifiers: ClinVar variation 3641658 (VCV003641658.2).